The following is an entry in ClinVar:

ClinVar aggregate classification (germline): Uncertain significance. Review status: criteria provided, multiple submitters, no conflicts (2 of 4 stars). 2 submissions from 2 submitters: Uncertain significance (2). Last evaluated 2025-05-30.

Conditions:
Hereditary cancer-predisposing syndrome. Also called: Neoplastic Syndromes, Hereditary; Tumor predisposition; Hereditary Cancer Syndrome; Hereditary neoplastic syndrome. Identifiers: Orphanet 140162, MedGen C0027672, MeSH D009386, MONDO:0015356.
Ataxia-telangiectasia syndrome (AT). Also called: LOUIS-BAR SYNDROME; Cerebello-oculocutaneous telangiectasia; Immunodeficiency with ataxia telangiectasia; Ataxia-telangiectasia, complementation group D; AT, COMPLEMENTATION GROUP C; ATAXIA-TELANGIECTASIA, COMPLEMENTATION GROUP A. Identifiers: Orphanet 100, MedGen C0004135, MONDO:0008840, OMIM 208900.

Submissions (2):

Labcorp Genetics (formerly Invitae), Labcorp
Classification: Uncertain significance for Ataxia-telangiectasia syndrome. Last evaluated: 2025-05-30. Review status: criteria provided, single submitter. Criteria: Invitae Variant Classification Sherloc (09022015). Collection method: clinical testing. Allele origin: germline.
Comment: This sequence change replaces threonine, which is neutral and polar, with isoleucine, which is neutral and non-polar, at codon 39 of the ATM protein (p.Thr39Ile). This variant is not present in population databases (gnomAD no frequency). This variant has not been reported in the literature in individuals affected with ATM-related conditions. ClinVar contains an entry for this variant (Variation ID: 1739194). Invitae Evidence Modeling of protein sequence and biophysical properties (such as structural, functional, and spatial information, amino acid conservation, physicochemical variation, residue mobility, and thermodynamic stability) indicates that this missense variant is not expected to disrupt ATM protein function with a negative predictive value of 95%. In summary, the available evidence is currently insufficient to determine the role of this variant in disease. Therefore, it has been classified as a Variant of Uncertain Significance.

Ambry Genetics
Classification: Uncertain significance for Hereditary cancer-predisposing syndrome. Last evaluated: 2025-04-18. Review status: criteria provided, single submitter. Criteria: Ambry Variant Classification Scheme 2023. Collection method: clinical testing. Allele origin: germline.
Comment: The p.T39I variant (also known as c.116C>T), located in coding exon 2 of the ATM gene, results from a C to T substitution at nucleotide position 116. The threonine at codon 39 is replaced by isoleucine, an amino acid with similar properties. This variant was reported in 0/60,466 breast cancer cases and in 1/53,461 controls (Dorling et al. N Engl J Med. 2021 02;384:428-439). This amino acid position is well conserved in available vertebrate species. In addition, this alteration is predicted to be tolerated by in silico analysis. Since supporting evidence is limited at this time, the clinical significance of this alteration remains unclear.

Literature cited by the submitters: PubMed 33471991 (cited by Ambry Genetics).

NM_000051.4(ATM):c.116C>T (p.Thr39Ile)

Gene: ATM (ATM serine/threonine kinase; plus strand). Cytogenetic location: 11q22.3.
Variant type: single nucleotide variant.
Coding change: c.116C>T on transcript NM_000051.4 (MANE Select); coding-DNA position 116, C replaced by T.
Protein change: p.Thr39Ile; replaces threonine 39 with isoleucine.
Molecular consequence: missense variant.
Genome position (GRCh38, 1-based): chr11:108,227,819, C>T. VCF-style: chr11-108227819-C-T. GRCh37 (hg19) VCF-style: chr11-108098546-C-T.
Other names: c.116C>T, p.Thr39Ile (NM_001351834.2, NM_001351835.2, NM_001351836.2); short protein forms T39I.
Identifiers: ClinVar variation 1739194 (VCV001739194.4), dbSNP rs1555054109, ClinGen allele CA382519842.